The following is an entry in ClinVar:

NM_031407.7(HUWE1):c.2140C>T (p.Pro714Ser)

Gene: HUWE1 (HECT, UBA and WWE domain containing E3 ubiquitin protein ligase 1; minus strand). Cytogenetic location: Xp11.22.
Variant type: single nucleotide variant.
Coding change: c.2140C>T on transcript NM_031407.7 (MANE Select); coding-DNA position 2140, C replaced by T.
Protein change: p.Pro714Ser; replaces proline 714 with serine.
Molecular consequence: missense variant.
Genome position (GRCh38, 1-based): chrX:53,614,655, G>A on the plus strand (C>T on the coding strand, the complement: HUWE1 is on the minus strand). VCF-style: chrX-53614655-G-A. GRCh37 (hg19) VCF-style: chrX-53641616-G-A.
Other names: short protein forms P714S.
Identifiers: ClinVar variation 3360281 (VCV003360281.1).
Genomic context (GRCh38, chrX:53,614,655, plus strand): 5'-CCTCTTCCTCCTCATCCTCACTAGAGGCTTCTTCTGCGGCATGATTAGACCTTGGGGGAG[G>A]AGCAGTGGCAGTGCCATCTGCCTTCTGGATTGATGGCTTCTGACAGATGTATTTGGGGTC-3'
Protein context (NP_113584.3, residues 704-724): IQKADGTATA[Pro714Ser]PPRSNHAAEE

ClinVar aggregate classification (germline): Uncertain significance (1 of 4 stars; one submission).

Submission:

GeneDx
Classification: Uncertain significance. Last evaluated: 2023-06-22. Review status: criteria provided, single submitter. Criteria: GeneDx Variant Classification Process June 2021. Collection method: clinical testing. Allele origin: germline. Affected: yes.
Comment: Not observed at significant frequency in large population cohorts (gnomAD); In silico analysis supports that this missense variant does not alter protein structure/function; Has not been previously published as pathogenic or benign to our knowledge